The following is an entry in ClinVar:

ClinVar aggregate classification (germline): Likely benign (1 of 4 stars; one submission).

gnomAD v4.1: 19,878 of 898,992 alleles (2.2%); highest among the groups gnomAD compares: Non-Finnish European, 2.8%; 299 homozygotes.

Submission:

GeneDx
Classification: Likely benign. Last evaluated: 2020-09-26. Review status: criteria provided, single submitter. Criteria: GeneDx Variant Classification Process June 2021. Collection method: clinical testing. Allele origin: germline. Affected: yes.
Comment: See Variant Classification Assertion Criteria.

NM_007357.3(COG2):c.2116-72T>G

Gene: COG2 (component of oligomeric golgi complex 2; plus strand). Cytogenetic location: 1q42.2.
Variant type: single nucleotide variant.
Coding change: c.2116-72T>G on transcript NM_007357.3 (MANE Select); 72 bases into the intron before coding-DNA position 2116, T replaced by G.
Molecular consequence: intron variant.
Genome position (GRCh38, 1-based): chr1:230,693,220, T>G. VCF-style: chr1-230693220-T-G. GRCh37 (hg19) VCF-style: chr1-230828966-T-G.
Other names: c.2113-72T>G (NM_001145036.2).
Identifiers: ClinVar variation 4813943 (VCV004813943.1).